The following is an entry in ClinVar:

NM_001113378.2(FANCI):c.3016A>G (p.Met1006Val)

Gene: FANCI (FA complementation group I; plus strand). Cytogenetic location: 15q26.1.
Variant type: single nucleotide variant.
Coding change: c.3016A>G on transcript NM_001113378.2 (MANE Select); coding-DNA position 3016, A replaced by G.
Protein change: p.Met1006Val; replaces methionine 1006 with valine.
Molecular consequence: missense variant.
Genome position (GRCh38, 1-based): chr15:89,303,873, A>G. VCF-style: chr15-89303873-A-G. GRCh37 (hg19) VCF-style: chr15-89847104-A-G.
Other names: c.2737A>G, p.Met913Val (NM_001376910.1); c.3016A>G, p.Met1006Val (NM_001376911.1); c.2836A>G, p.Met946Val (NM_018193.3); short protein forms M946V, M1006V, M913V.
Identifiers: ClinVar variation 659410 (VCV000659410.4), dbSNP rs781108611, ClinGen allele CA7723559.

ClinVar aggregate classification (germline): Uncertain significance (1 of 4 stars; one submission).

Conditions:
Fanconi anemia (FA). Also called: Fanconi's anemia. Identifiers: Orphanet 84, MedGen C0015625, MeSH D005199, MONDO:0019391.

Allele frequency attached by ClinVar (database versions not stated): ExAC 0.00002; gnomAD 0.00002; gnomAD exomes 0.00002; TOPMed 0.00002.

Submission:

Labcorp Genetics (formerly Invitae), Labcorp
Classification: Uncertain significance for Fanconi anemia. Last evaluated: 2021-09-21. Review status: criteria provided, single submitter. Criteria: Invitae Variant Classification Sherloc (09022015). Collection method: clinical testing. Allele origin: germline.
Comment: This sequence change replaces methionine with valine at codon 1006 of the FANCI protein (p.Met1006Val). The methionine residue is moderately conserved and there is a small physicochemical difference between methionine and valine. This variant is present in population databases (rs781108611, ExAC 0.01%). This variant has not been reported in the literature in individuals affected with FANCI-related conditions. Algorithms developed to predict the effect of missense changes on protein structure and function output the following: SIFT: "Tolerated"; PolyPhen-2: "Benign"; Align-GVGD: "Class C0". The valine amino acid residue is found in multiple mammalian species, which suggests that this missense change does not adversely affect protein function. Algorithms developed to predict the effect of sequence changes on RNA splicing suggest that this variant may create or strengthen a splice site. In summary, the available evidence is currently insufficient to determine the role of this variant in disease. Therefore, it has been classified as a Variant of Uncertain Significance.